The following is an entry in ClinVar:

NM_001605.3(AARS1):c.2019G>C (p.Leu673=)

Gene: AARS1 (alanyl-tRNA synthetase 1; minus strand). Cytogenetic location: 16q22.1.
Variant type: single nucleotide variant.
Coding change: c.2019G>C on transcript NM_001605.3 (MANE Select); coding-DNA position 2019, G replaced by C.
Protein change: p.Leu673=; no amino-acid change (leucine 673 retained).
Molecular consequence: synonymous variant.
Genome position (GRCh38, 1-based): chr16:70,258,191, C>G on the plus strand (G>C on the coding strand, the complement: AARS1 is on the minus strand). VCF-style: chr16-70258191-C-G. GRCh37 (hg19) VCF-style: chr16-70292094-C-G.
Identifiers: ClinVar variation 888500 (VCV000888500.7), dbSNP rs775476419, ClinGen allele CA8140584.
Genomic context (GRCh38, chr16:70,258,191, plus strand): 5'-AGGGTCAGGATAGGTCTCATCAAACACAGCCCGTAGGCCCTGGATGGCTTTCGCTGCTGC[C>G]AGGGGGCAATCCTGGGTATAGACGGCCTGCCAGACCAAGAAGACAGAAAAGAGCTGGAAG-3'
Protein context (NP_001596.2, residues 663-683): AKAVYTQDCP[Leu673=]AAAKAIQGLR

ClinVar aggregate classification (germline): Likely benign. Review status: criteria provided, multiple submitters, no conflicts (2 of 4 stars). 2 submissions from 2 submitters: Likely benign (2). Last evaluated 2024-03-10.

Conditions:
Charcot-Marie-Tooth disease axonal type 2N (CMT2N). Also called: Charcot-Marie-Tooth Neuropathy Type 2N; CHARCOT-MARIE-TOOTH DISEASE, AXONAL, AUTOSOMAL DOMINANT, TYPE 2N; CHARCOT-MARIE-TOOTH NEUROPATHY, AXONAL, TYPE 2N. Identifiers: Orphanet 228174, MedGen C2750090, MONDO:0013212, OMIM 613287.
Charcot-Marie-Tooth disease type 2. Also called: Charcot-Marie-Tooth type 2. Identifiers: Orphanet 64746, MedGen C0270914, MONDO:0018993.

Allele frequency attached by ClinVar (database versions not stated): gnomAD 0.00001; TOPMed 0.00001; gnomAD exomes 0.00003; ExAC 0.00005.

Submissions (3):

Labcorp Genetics (formerly Invitae), Labcorp
Classification: Likely benign for Charcot-Marie-Tooth disease type 2. Last evaluated: 2024-03-10. Review status: criteria provided, single submitter. Criteria: Invitae Variant Classification Sherloc (09022015). Collection method: clinical testing. Allele origin: germline.

Illumina Laboratory Services, Illumina
Classification: Likely benign for Charcot-Marie-Tooth disease axonal type 2N. Last evaluated: 2018-01-13. Review status: criteria provided, single submitter. Criteria: ICSL Variant Classification Criteria 13 December 2019. Collection method: clinical testing. Allele origin: germline.
Comment: This variant was observed in the ICSL laboratory as part of a predisposition screen in an ostensibly healthy population. It had not been previously curated by ICSL or reported in the Human Gene Mutation Database (HGMD: prior to June 1st, 2018), and was therefore a candidate for classification through an automated scoring system. Utilizing variant allele frequency, disease prevalence and penetrance estimates, and inheritance mode, an automated score was calculated to assess if this variant is too frequent to cause the disease. Based on the score and internal cut-off values, a variant classified as likely benign is not then subjected to further curation. The score for this variant resulted in a classification of likely benign for this disease.

Dr. Peter K. Rogan Lab, Western University
No classification provided (evidence only). Condition: Hepatocellular carcinoma. Review status: no classification provided. Collection method: in vitro. Allele origin: not applicable. Functional consequence: retained intron. Not counted in ClinVar's aggregate classification.